The following is an entry in ClinVar:

NM_007294.4(BRCA1):c.4987-6T>G

Gene: BRCA1 (BRCA1 DNA repair associated; minus strand). Cytogenetic location: 17q21.31.
Variant type: single nucleotide variant.
Coding change: c.4987-6T>G on transcript NM_007294.4 (MANE Select); 6 bases into the intron before coding-DNA position 4987, T replaced by G.
Molecular consequence: intron variant.
Genome position (GRCh38, 1-based): chr17:43,067,701, A>C on the plus strand (T>G on the coding strand, the complement: BRCA1 is on the minus strand). VCF-style: chr17-43067701-A-C. GRCh37 (hg19) VCF-style: chr17-41219718-A-C.
Other names: c.1534-6T>G (NM_001408458.1, NM_001408461.1, NM_001408464.1 and 7 more transcripts); c.4096-6T>G (NM_001407967.1); c.4606-6T>G (NM_001407959.1); c.4720-6T>G (NM_001407931.1, NM_001407932.1, NM_001407928.1 and 4 more transcripts); c.4843-6T>G (NM_001407747.1, NM_001407745.1, NM_001407737.1 and 21 more transcripts); c.4603-6T>G (NM_001407962.1, NM_001407960.1); c.1174-6T>G (NM_001408512.1); c.1297-6T>G (NM_001408510.1); and 71 more.
Identifiers: ClinVar variation 868494 (VCV000868494.3), dbSNP rs2052193063, ClinGen allele CA916080171.
Genomic context (GRCh38, chr17:43,067,701, plus strand): 5'-TAATTAGATTAGTTAAAGTGATGTGGTGTTTTCTGGCAAACTTGTACACGAGCATCTGAA[A>C]TTAAATCAAATATTCCATTATCATGAGTTACCTCTAGCACACAGCTCAGAATACTAGTTA-3'

Conditions:
Breast-ovarian cancer, familial, susceptibility to, 1 (BROVCA1). Also called: BRCA1 Hereditary Breast and Ovarian Cancer; OVARIAN CANCER, SUSCEPTIBILITY TO. Identifiers: Orphanet 145, MedGen C2676676, MONDO:0011450, OMIM 604370. Disease mechanism: loss of function.

Submission:

Brotman Baty Institute, University of Washington
No classification provided (evidence only). Condition: Breast-ovarian cancer, familial 1. Review status: no classification provided. Collection method: in vitro. Allele origin: not applicable. Functional consequence: functionally_abnormal.
ClinVar note: "not provided" was previously submitted as the classification for the variant. However, the classification appeared to be based only on an observation of functional data so it was converted to no classification on 2025-07-30.